The following is an entry in ClinVar:

NM_001077350.3(NPRL3):c.672G>T (p.Trp224Cys)

Genes: HBA-LCR (alpha-globin locus control region; plus strand), NPRL3 (NPR3 like, GATOR1 complex subunit; minus strand). Cytogenetic location: 16p13.3.
Variant type: single nucleotide variant.
Coding change: c.672G>T on transcript NM_001077350.3 (MANE Select); coding-DNA position 672, G replaced by T.
Protein change: p.Trp224Cys; replaces tryptophan 224 with cysteine.
Molecular consequence: missense variant.
Genome position (GRCh38, 1-based): chr16:100,467, C>A on the plus strand (G>T on the coding strand, the complement: NPRL3 is on the minus strand). VCF-style: chr16-100467-C-A. GRCh37 (hg19) VCF-style: chr16-150465-C-A.
Other names: c.135G>T, p.Trp45Cys (NM_001039476.3); c.438G>T, p.Trp146Cys (NM_001243247.2); c.597G>T, p.Trp199Cys (NM_001243248.2, NM_001243249.2); short protein forms W224C, W45C, W146C, W199C.
Identifiers: ClinVar variation 4745626 (VCV004745626.1).

ClinVar aggregate classification (germline): Uncertain significance (1 of 4 stars; one submission).

Conditions:
Epilepsy, familial focal, with variable foci 3 (FFEVF3). Identifiers: MedGen C4310708, MONDO:0014925, OMIM 617118.

Submission:

Labcorp Genetics (formerly Invitae), Labcorp
Classification: Uncertain significance for Epilepsy, familial focal, with variable foci 3. Last evaluated: 2026-01-19. Review status: criteria provided, single submitter. Criteria: Invitae Variant Classification Sherloc (09022015). Collection method: clinical testing. Allele origin: germline.
Comment: This sequence change replaces tryptophan, which is neutral and slightly polar, with cysteine, which is neutral and slightly polar, at codon 224 of the NPRL3 protein (p.Trp224Cys). This variant is not present in population databases (gnomAD no frequency). This variant has not been reported in the literature in individuals affected with NPRL3-related conditions. Invitae Evidence Modeling of protein sequence and biophysical properties (such as structural, functional, and spatial information, amino acid conservation, physicochemical variation, residue mobility, and thermodynamic stability) has been performed for this missense variant. However, the output from this modeling did not meet the statistical confidence thresholds required to predict the impact of this variant on NPRL3 protein function. In summary, the available evidence is currently insufficient to determine the role of this variant in disease. Therefore, it has been classified as a Variant of Uncertain Significance.